The following is an entry in ClinVar:

NM_000540.3(RYR1):c.7738G>A (p.Asp2580Asn)

Gene: RYR1 (ryanodine receptor 1; plus strand). Cytogenetic location: 19q13.2.
Variant type: single nucleotide variant.
Coding change: c.7738G>A on transcript NM_000540.3 (MANE Select); coding-DNA position 7738, G replaced by A.
Protein change: p.Asp2580Asn; replaces aspartic acid 2580 with asparagine.
Molecular consequence: missense variant.
Genome position (GRCh38, 1-based): chr19:38,502,630, G>A. VCF-style: chr19-38502630-G-A. GRCh37 (hg19) VCF-style: chr19-38993270-G-A.
Other names: c.7738G>A (NM_000540.2); c.7738G>A, p.Asp2580Asn (NM_001042723.2); short protein forms D2580N.
Identifiers: ClinVar variation 999143 (VCV000999143.11), dbSNP rs758009575, ClinGen allele CA070115.
Genomic context (GRCh38, chr19:38,502,630, plus strand): 5'-CCGCTCATCACCAAGTGTGCGCCGCTCTTTGCGGGCACAGAACACCGCGCCATCATGGTG[G>A]ACTCTATGCTGCATACCGTGTACCGCCTGTCTCGGGGTCGTTCGCTCACCAAGGCGCAGC-3'
Protein context (NP_000531.2, residues 2570-2590): AGTEHRAIMV[Asp2580Asn]SMLHTVYRLS

ClinVar aggregate classification (germline): Uncertain significance. Review status: criteria provided, multiple submitters, no conflicts (2 of 4 stars). 5 submissions from 5 submitters: Uncertain significance (5). Last evaluated 2025-04-03.

Conditions:
RYR1-related disorder. Also called: RYR1-related disorders; RYR1-related condition. Identifiers: MedGen CN239331.
Inborn genetic diseases. Identifiers: MedGen C0950123, MeSH D030342.
Malignant hyperthermia, susceptibility to, 1 (MHS1). Also called: RYR1-Related Malignant Hyperthermia Susceptibility; Anesthesia related hyperthermia; Malignant hyperpyrexia; Fulminating hyperpyrexia; Pharmacogenic myopathy; Malignant hyperthermia suceptibility 1. Identifiers: Orphanet 423, MedGen C2930980, MONDO:0007783, OMIM 145600.

Allele frequency attached by ClinVar (database versions not stated): gnomAD exomes below 0.00001 and 0.00001; ExAC 0.00001; gnomAD 0.00001; TOPMed 0.00001.
gnomAD v4.1: 11 of 1,612,964 alleles (0.00068%); highest among the groups gnomAD compares: Middle Eastern, 0.033%; no homozygotes.

Submissions (5):

Ambry Genetics
Classification: Uncertain significance for Inborn genetic diseases. Last evaluated: 2025-04-03. Review status: criteria provided, single submitter. Criteria: Ambry Variant Classification Scheme 2023. Collection method: clinical testing. Allele origin: germline.

Labcorp Genetics (formerly Invitae), Labcorp
Classification: Uncertain significance for RYR1-related disorder. Last evaluated: 2025-01-06. Review status: criteria provided, single submitter. Criteria: Invitae Variant Classification Sherloc (09022015). Collection method: clinical testing. Allele origin: germline.
Comment: This sequence change replaces aspartic acid, which is acidic and polar, with asparagine, which is neutral and polar, at codon 2580 of the RYR1 protein (p.Asp2580Asn). This variant is present in population databases (rs758009575, gnomAD no frequency). This variant has not been reported in the literature in individuals affected with RYR1-related conditions. ClinVar contains an entry for this variant (Variation ID: 999143). Invitae Evidence Modeling of protein sequence and biophysical properties (such as structural, functional, and spatial information, amino acid conservation, physicochemical variation, residue mobility, and thermodynamic stability) indicates that this missense variant is expected to disrupt RYR1 protein function with a positive predictive value of 80%. In summary, the available evidence is currently insufficient to determine the role of this variant in disease. Therefore, it has been classified as a Variant of Uncertain Significance.

Blueprint Genetics
Classification: Uncertain significance. Last evaluated: 2024-08-12. Review status: criteria provided, single submitter. Criteria: ACMG Guidelines, 2015. Collection method: clinical testing. Allele origin: germline.

All of Us Research Program, National Institutes of Health
Classification: Uncertain significance for Malignant hyperthermia, susceptibility to, 1. Last evaluated: 2024-03-24. Review status: criteria provided, single submitter. Criteria: ACMG Guidelines, 2015. Collection method: clinical testing. Allele origin: germline. Inheritance: Autosomal dominant inheritance. Observed: 5 variant alleles, 5 heterozygotes.
Comment: This missense variant replaces aspartic acid with asparagine at codon 2580 of the RYR1 protein. Computational prediction suggests that this variant may have deleterious impact on protein structure and function (internally defined REVEL score threshold >= 0.7, PMID: 27666373). To our knowledge, functional studies have not been reported for this variant. This variant has not been reported in individuals affected with RYR1-related disorders in the literature. This variant has been identified in 1/250482 chromosomes in the general population by the Genome Aggregation Database (gnomAD). The available evidence is insufficient to determine the role of this variant in disease conclusively. Therefore, this variant is classified as a Variant of Uncertain Significance.

This study involves interpretation of variants in research participants for the purpose of population health screening. Participant phenotype was not available at the time of variant classification. Additional details can be found in publication PMID: 35346344, PMCID: PMC8962531

Color Diagnostics, LLC DBA Color Health
Classification: Uncertain significance for Malignant hyperthermia, susceptibility to, 1. Last evaluated: 2024-03-06. Review status: criteria provided, single submitter. Criteria: ACMG Guidelines, 2015. Collection method: clinical testing. Allele origin: germline.
Comment: This missense variant replaces aspartic acid with asparagine at codon 2580 of the RYR1 protein. Computational prediction suggests that this variant may have deleterious impact on protein structure and function. To our knowledge, functional studies have not been reported for this variant. This variant has not been reported in individuals affected with RYR1-related disorders in the literature. This variant has been identified in 1/250482 chromosomes in the general population by the Genome Aggregation Database (gnomAD). The available evidence is insufficient to determine the role of this variant in disease conclusively. Therefore, this variant is classified as a Variant of Uncertain Significance.